The following is an entry in ClinVar:

ClinVar aggregate classification (germline): Pathogenic (1 of 4 stars; one submission).

Submission:

Labcorp Genetics (formerly Invitae), Labcorp
Classification: Pathogenic. Last evaluated: 2024-08-20. Review status: criteria provided, single submitter. Criteria: Invitae Variant Classification Sherloc (09022015). Collection method: clinical testing. Allele origin: germline.
Comment: This sequence change replaces arginine, which is basic and polar, with proline, which is neutral and non-polar, at codon 161 of the PHEX protein (p.Arg161Pro). This variant is not present in population databases (gnomAD no frequency). This missense change has been observed in individuals with X-linked hypophosphatemia (PMID: 21050253; Invitae). ClinVar contains an entry for this variant (Variation ID: 1039336). Invitae Evidence Modeling of protein sequence and biophysical properties (such as structural, functional, and spatial information, amino acid conservation, physicochemical variation, residue mobility, and thermodynamic stability) indicates that this missense variant is expected to disrupt PHEX protein function with a positive predictive value of 80%. For these reasons, this variant has been classified as Pathogenic.

Literature cited by the submitters: PubMed 21050253.

NM_000444.6(PHEX):c.482G>C (p.Arg161Pro)

Gene: PHEX (phosphate regulating endopeptidase X-linked; plus strand). Cytogenetic location: Xp22.11.
Variant type: single nucleotide variant.
Coding change: c.482G>C on transcript NM_000444.6 (MANE Select); coding-DNA position 482, G replaced by C.
Protein change: p.Arg161Pro; replaces arginine 161 with proline.
Molecular consequence: missense variant.
Genome position (GRCh38, 1-based): chrX:22,077,521, G>C. VCF-style: chrX-22077521-G-C. GRCh37 (hg19) VCF-style: chrX-22095639-G-C.
Other names: c.482G>C, p.Arg161Pro (NM_001282754.2); short protein forms R161P.
Identifiers: ClinVar variation 1039336 (VCV001039336.6), dbSNP rs138497409, ClinGen allele CA412571320.